The following is an entry in ClinVar:

ClinVar aggregate classification (germline): Uncertain significance. Review status: criteria provided, multiple submitters, no conflicts (2 of 4 stars). 2 submissions from 2 submitters: Uncertain significance (2). Last evaluated 2021-01-06.

Conditions:
Inborn genetic diseases. Identifiers: MedGen C0950123, MeSH D030342.
Sandhoff disease. Also called: GM2-GANGLIOSIDOSIS, TYPE II; HEXOSAMINIDASES A AND B DEFICIENCY; Beta-hexosaminidase-beta-subunit deficiency; GM2 gangliosidosis, type 2; Total hexosaminidase deficiency; Sandhoff-Jatzkewitz-Pilz disease. Identifiers: Orphanet 796, MedGen C0036161, MONDO:0010006, OMIM 268800.

Allele frequency attached by ClinVar (database versions not stated): ExAC 0.00002; gnomAD exomes 0.00002 and 0.00003; ESP Exome Variant Server 0.00015; gnomAD 0.00015 and 0.00016; TOPMed 0.00018.
gnomAD v4.1: 47 of 1,609,810 alleles (0.0029%); highest among the groups gnomAD compares: African/African-American, 0.044%; no homozygotes.

Submissions (2):

Ambry Genetics
Classification: Uncertain significance for Inborn genetic diseases. Last evaluated: 2021-01-06. Review status: criteria provided, single submitter. Criteria: Ambry Variant Classification Scheme 2023. Collection method: clinical testing. Allele origin: germline.
Comment: The c.1612G>A (p.E538K) alteration is located in exon 13 (coding exon 13) of the HEXB gene. This alteration results from a G to A substitution at nucleotide position 1612, causing the glutamic acid (E) at amino acid position 538 to be replaced by a lysine (K). The p.E538K alteration is predicted to be tolerated by in silico analysis. Based on insufficient or conflicting evidence, the clinical significance of this alteration remains unclear.

Illumina Laboratory Services, Illumina
Classification: Uncertain significance for Sandhoff disease. Last evaluated: 2018-01-13. Review status: criteria provided, single submitter. Criteria: ICSL Variant Classification Criteria 13 December 2019. Collection method: clinical testing. Allele origin: germline.

NM_000521.4(HEXB):c.1612G>A (p.Glu538Lys)

Gene: HEXB (hexosaminidase subunit beta; plus strand). Cytogenetic location: 5q13.3.
Variant type: single nucleotide variant.
Coding change: c.1612G>A on transcript NM_000521.4 (MANE Select); coding-DNA position 1612, G replaced by A.
Protein change: p.Glu538Lys; replaces glutamic acid 538 with lysine.
Molecular consequence: missense variant.
Genome position (GRCh38, 1-based): chr5:74,720,746, G>A. VCF-style: chr5-74720746-G-A. GRCh37 (hg19) VCF-style: chr5-74016571-G-A.
Other names: c.937G>A, p.Glu313Lys (NM_001292004.2); short protein forms E538K, E313K.
Identifiers: ClinVar variation 354137 (VCV000354137.7), dbSNP rs143635580, ClinGen allele CA3306212.